The following is an entry in ClinVar:

ClinVar aggregate classification (germline): Uncertain significance. Review status: criteria provided, multiple submitters, no conflicts (2 of 4 stars). 2 submissions from 2 submitters: Uncertain significance (2). Last evaluated 2024-10-12.

Conditions:
Inborn genetic diseases. Identifiers: MedGen C0950123, MeSH D030342.

Allele frequency attached by ClinVar (database versions not stated): gnomAD 0.00001; TOPMed 0.00001.
gnomAD v4.1: 66 of 1,603,134 alleles (0.0041%); highest among the groups gnomAD compares: Non-Finnish European, 0.0051%; no homozygotes.

Submissions (2):

Ambry Genetics
Classification: Uncertain significance for Inborn genetic diseases. Last evaluated: 2024-10-12. Review status: criteria provided, single submitter. Criteria: Ambry Variant Classification Scheme 2023. Collection method: clinical testing. Allele origin: germline.

Labcorp Genetics (formerly Invitae), Labcorp
Classification: Uncertain significance. Last evaluated: 2024-04-23. Review status: criteria provided, single submitter. Criteria: Invitae Variant Classification Sherloc (09022015). Collection method: clinical testing. Allele origin: germline.
Comment: This sequence change replaces methionine, which is neutral and non-polar, with threonine, which is neutral and polar, at codon 217 of the SLC26A1 protein (p.Met217Thr). This variant is present in population databases (no rsID available, gnomAD 0.003%). This variant has not been reported in the literature in individuals affected with SLC26A1-related conditions. ClinVar contains an entry for this variant (Variation ID: 2352631). Advanced modeling of protein sequence and biophysical properties (such as structural, functional, and spatial information, amino acid conservation, physicochemical variation, residue mobility, and thermodynamic stability) performed at Invitae indicates that this missense variant is not expected to disrupt SLC26A1 protein function with a negative predictive value of 80%. In summary, the available evidence is currently insufficient to determine the role of this variant in disease. Therefore, it has been classified as a Variant of Uncertain Significance.

NM_022042.4(SLC26A1):c.650T>C (p.Met217Thr)

Genes: IDUA (alpha-L-iduronidase; plus strand), SLC26A1 (solute carrier family 26 member 1; minus strand). Cytogenetic location: 4p16.3.
Variant type: single nucleotide variant.
Coding change: c.650T>C on transcript NM_022042.4 (MANE Select); coding-DNA position 650, T replaced by C.
Protein change: p.Met217Thr; replaces methionine 217 with threonine.
Molecular consequence: missense variant. On other transcripts: intron variant (2).
Genome position (GRCh38, 1-based): chr4:990,289, A>G on the plus strand (T>C on the coding strand, the complement: SLC26A1 is on the minus strand). VCF-style: chr4-990289-A-G. GRCh37 (hg19) VCF-style: chr4-984077-A-G.
Other names: c.650T>C, p.Met217Thr (NM_213613.4); c.576+839T>C (NM_134425.4); c.299+2340A>G (NM_000203.5); short protein forms M217T.
Identifiers: ClinVar variation 2352631 (VCV002352631.5), dbSNP rs1300501994, ClinGen allele CA355956095.